The following is an entry in ClinVar:

NM_001607.4(ACAA1):c.222G>A (p.Lys74=)

Gene: ACAA1 (acetyl-CoA acyltransferase 1; minus strand). Cytogenetic location: 3p22.2.
Variant type: single nucleotide variant.
Coding change: c.222G>A on transcript NM_001607.4 (MANE Select); coding-DNA position 222, G replaced by A.
Protein change: p.Lys74=; no amino-acid change (lysine 74 retained).
Molecular consequence: synonymous variant. On other transcripts: non-coding transcript variant (1).
Genome position (GRCh38, 1-based): chr3:38,136,635, C>T on the plus strand (G>A on the coding strand, the complement: ACAA1 is on the minus strand). VCF-style: chr3-38136635-C-T. GRCh37 (hg19) VCF-style: chr3-38178126-C-T.
Other names: c.222G>A, p.Lys74= (NM_001130410.2).
Identifiers: ClinVar variation 4981404 (VCV004981404.1).

ClinVar aggregate classification (germline): Likely benign (1 of 4 stars; one submission).

Conditions:
ACAA1-related disorder. Also called: ACAA1-related condition.

Submission:

PreventionGenetics, part of Exact Sciences
Classification: Likely benign for ACAA1-related condition. Last evaluated: 2025-09-03. Review status: criteria provided, single submitter. Criteria: ACMG Guidelines, 2015. Collection method: clinical testing. Allele origin: germline.
Comment: This variant is classified as likely benign based on ACMG/AMP sequence variant interpretation guidelines (Richards et al. 2015 PMID: 25741868, with internal and published modifications).